The following is an entry in ClinVar:

NM_170662.5(CBLB):c.2067G>A (p.Pro689=)

Gene: CBLB (Cbl proto-oncogene B; minus strand). Cytogenetic location: 3q13.11.
Variant type: single nucleotide variant.
Coding change: c.2067G>A on transcript NM_170662.5 (MANE Select); coding-DNA position 2067, G replaced by A.
Protein change: p.Pro689=; no amino-acid change (proline 689 retained).
Molecular consequence: synonymous variant. On other transcripts: non-coding transcript variant (7), intron variant (8).
Genome position (GRCh38, 1-based): chr3:105,685,454, C>T on the plus strand (G>A on the coding strand, the complement: CBLB is on the minus strand). VCF-style: chr3-105685454-C-T. GRCh37 (hg19) VCF-style: chr3-105404298-C-T.
Other names: c.2151G>A, p.Pro717= (NM_001321786.1); c.2067G>A, p.Pro689= (NM_001321788.2, NM_001321791.2, NM_001321793.2); c.2133G>A, p.Pro711= (NM_001321790.2); c.1920G>A, p.Pro640= (NM_001321796.2, NM_001321799.2); c.1287G>A, p.Pro429= (NM_001321806.2, NM_001321807.2, NM_001321808.2); c.879G>A, p.Pro293= (NM_001321820.2); c.738G>A, p.Pro246= (NM_001321822.2); c.2055-3636G>A (NM_001321797.2, NM_001321794.2, NM_001321798.2 and 1 more transcripts); and 2 more.
Identifiers: ClinVar variation 774844 (VCV000774844.28), dbSNP rs34801525, ClinGen allele CA2524572.

ClinVar aggregate classification (germline): Benign/Likely benign. Review status: criteria provided, multiple submitters, no conflicts (2 of 4 stars). 4 submissions from 4 submitters: Benign (2); Likely benign (1). 1 of the submissions does not count toward it. Last evaluated 2026-06-01.

Conditions:
CBLB-related disorder. Also called: CBLB-related condition.

Allele frequency attached by ClinVar (database versions not stated): 1000 Genomes Project 30x 0.00344; gnomAD 0.00502 and 0.00513; TOPMed 0.00554; ESP Exome Variant Server 0.00608; 1000 Genomes Project 0.00300.
gnomAD v4.1: 10,917 of 1,612,824 alleles (0.68%); highest among the groups gnomAD compares: Middle Eastern, 1.8%; 62 homozygotes.

Submissions (4):

CeGaT Center for Human Genetics Tuebingen
Classification: Likely benign. Last evaluated: 2026-06-01. Review status: criteria provided, single submitter. Criteria: CeGaT Center For Human Genetics Tuebingen Variant Classification Criteria Version 2. Collection method: clinical testing. Allele origin: germline. Affected: yes. Observed: 6 variant alleles.
Comment: CBLB: BS2

Labcorp Genetics (formerly Invitae), Labcorp
Classification: Benign. Last evaluated: 2018-06-13. Review status: criteria provided, single submitter. Criteria: Invitae Variant Classification Sherloc (09022015). Collection method: clinical testing. Allele origin: germline.

Breakthrough Genomics
Classification: Benign. Review status: criteria provided, single submitter. Criteria: ACMG Guidelines, 2015. Collection method: not provided. Allele origin: germline. Inheritance: Unknown mechanism. Affected: yes.

PreventionGenetics, part of Exact Sciences
Classification: Benign for CBLB-related condition. Last evaluated: 2019-03-01. Review status: no assertion criteria provided. Collection method: clinical testing. Allele origin: germline. Not counted in ClinVar's aggregate classification.
Comment: This variant is classified as benign based on ACMG/AMP sequence variant interpretation guidelines (Richards et al. 2015 PMID: 25741868, with internal and published modifications).